The following is an entry in ClinVar:

ClinVar aggregate classification (germline): Benign/Likely benign. Review status: criteria provided, multiple submitters, no conflicts (2 of 4 stars). 4 submissions from 4 submitters: Benign (1); Likely benign (3). Last evaluated 2025-08-13.

Conditions:
Hereditary cancer-predisposing syndrome. Also called: Neoplastic Syndromes, Hereditary; Tumor predisposition; Hereditary Cancer Syndrome; Hereditary neoplastic syndrome. Identifiers: Orphanet 140162, MedGen C0027672, MeSH D009386, MONDO:0015356.
Familial melanoma. Also called: Hereditary melanoma; Hereditary cutaneous melanoma. Identifiers: Orphanet 618, MedGen C1512419, MONDO:0018961.
Melanoma-pancreatic cancer syndrome. Identifiers: Orphanet 404560, MedGen C1838547, MONDO:0011713, OMIM 606719. Disease mechanism: loss of function.

Allele frequency attached by ClinVar (database versions not stated): gnomAD exomes below 0.00001.
gnomAD v4.1: 5 of 1,610,936 alleles (0.00031%); highest among the groups gnomAD compares: Non-Finnish European, 0.00042%; no homozygotes.

Submissions (4):

Myriad Genetics, Inc.
Classification: Benign for Melanoma-pancreatic cancer syndrome. Last evaluated: 2025-08-13. Review status: criteria provided, single submitter. Criteria: Myriad Autosomal Dominant, Autosomal Recessive and X-Linked Classification Criteria (2023). Collection method: clinical testing. Allele origin: unknown.
Comment: This variant is considered benign. This variant is a silent/synonymous amino acid change and it is not expected to impact splicing.

Labcorp Genetics (formerly Invitae), Labcorp
Classification: Likely benign for Familial melanoma. Last evaluated: 2024-07-25. Review status: criteria provided, single submitter. Criteria: Invitae Variant Classification Sherloc (09022015). Collection method: clinical testing. Allele origin: germline.

Color Diagnostics, LLC DBA Color Health
Classification: Likely benign for Hereditary cancer-predisposing syndrome. Last evaluated: 2019-10-08. Review status: criteria provided, single submitter. Criteria: ACMG Guidelines, 2015. Collection method: clinical testing. Allele origin: germline.

Ambry Genetics
Classification: Likely benign for Hereditary cancer-predisposing syndrome. Last evaluated: 2019-05-01. Review status: criteria provided, single submitter. Criteria: Ambry Variant Classification Scheme 2023. Collection method: clinical testing. Allele origin: germline.

NM_000077.5(CDKN2A):c.108G>C (p.Ala36=)

Gene: CDKN2A (cyclin dependent kinase inhibitor 2A; minus strand). Cytogenetic location: 9p21.3.
Variant type: single nucleotide variant.
Coding change: c.108G>C on transcript NM_000077.5; coding-DNA position 108, G replaced by C.
Protein change: p.Ala36=; no amino-acid change (alanine 36 retained).
Molecular consequence: synonymous variant (on NM_000077.6). On other transcripts: intron variant (2).
Genome position (GRCh38, 1-based): chr9:21,974,720, C>G on the plus strand (G>C on the coding strand, the complement: CDKN2A is on the minus strand). VCF-style: chr9-21974720-C-G. GRCh37 (hg19) VCF-style: chr9-21974719-C-G.
Other names: c.108G>C, p.Ala36= (NM_000077.6, NM_001195132.2, NM_058197.5); c.-3-3512G>C (NM_001363763.2); c.194-3512G>C (NM_058195.4).
Identifiers: ClinVar variation 822139 (VCV000822139.10), dbSNP rs1587339774, ClinGen allele CA464100137.